The following is an entry in ClinVar:

ClinVar aggregate classification (germline): Uncertain significance (1 of 4 stars; one submission).

Submission:

Labcorp Genetics (formerly Invitae), Labcorp
Classification: Uncertain significance. Last evaluated: 2025-11-15. Review status: criteria provided, single submitter. Criteria: Invitae Variant Classification Sherloc (09022015). Collection method: clinical testing. Allele origin: germline.
Comment: This sequence change replaces proline, which is neutral and non-polar, with arginine, which is basic and polar, at codon 1208 of the CNGB1 protein (p.Pro1208Arg). This variant is not present in population databases (gnomAD no frequency). This variant has not been reported in the literature in individuals affected with CNGB1-related conditions. Invitae Evidence Modeling of protein sequence and biophysical properties (such as structural, functional, and spatial information, amino acid conservation, physicochemical variation, residue mobility, and thermodynamic stability) indicates that this missense variant is not expected to disrupt CNGB1 protein function with a negative predictive value of 95%. In summary, the available evidence is currently insufficient to determine the role of this variant in disease. Therefore, it has been classified as a Variant of Uncertain Significance.

NM_001297.5(CNGB1):c.3623C>G (p.Pro1208Arg)

Gene: CNGB1 (cyclic nucleotide gated channel subunit beta 1; minus strand). Cytogenetic location: 16q21.
Variant type: single nucleotide variant.
Coding change: c.3623C>G on transcript NM_001297.5 (MANE Select); coding-DNA position 3623, C replaced by G.
Protein change: p.Pro1208Arg; replaces proline 1208 with arginine.
Molecular consequence: missense variant.
Genome position (GRCh38, 1-based): chr16:57,884,297, G>C on the plus strand (C>G on the coding strand, the complement: CNGB1 is on the minus strand). VCF-style: chr16-57884297-G-C. GRCh37 (hg19) VCF-style: chr16-57918201-G-C.
Other names: c.3605C>G, p.Pro1202Arg (NM_001286130.2); short protein forms P1202R, P1208R.
Identifiers: ClinVar variation 4802776 (VCV004802776.1).